The following is an entry in ClinVar:

ClinVar aggregate classification (germline): Benign/Likely benign. Review status: criteria provided, multiple submitters, no conflicts (2 of 4 stars). 3 submissions from 3 submitters: Benign (1); Likely benign (2). Last evaluated 2025-02-16.

Allele frequency attached by ClinVar (database versions not stated): 1000 Genomes Project 30x 0.00203; 1000 Genomes Project 0.00220; TOPMed 0.00903; gnomAD 0.00983 and 0.01044; gnomAD exomes 0.01214.
gnomAD v4.1: 15,648 of 1,321,502 alleles (1.2%); highest among the groups gnomAD compares: Non-Finnish European, 1.4%; 132 homozygotes.

Submissions (3):

Laboratory of Genetics, Children's Clinical University Hospital Latvia
Classification: Benign. Last evaluated: 2025-02-16. Review status: criteria provided, single submitter. Criteria: ACMG Guidelines, 2015. Collection method: clinical testing. Allele origin: germline. Affected: yes.

GeneDx
Classification: Likely benign. Last evaluated: 2018-06-16. Review status: criteria provided, single submitter. Criteria: GeneDx Variant Classification (06012015). Collection method: clinical testing. Allele origin: germline. Affected: yes.
Comment: This variant is considered likely benign or benign based on one or more of the following criteria: it is a conservative change, it occurs at a poorly conserved position in the protein, it is predicted to be benign by multiple in silico algorithms, and/or has population frequency not consistent with disease.

Breakthrough Genomics
Classification: Likely benign. Review status: criteria provided, single submitter. Criteria: ACMG Guidelines, 2015. Collection method: not provided. Allele origin: germline. Inheritance: Autosomal dominant inheritance. Affected: yes.

NM_001844.5(COL2A1):c.2356-111G>A

Gene: COL2A1 (collagen type II alpha 1 chain; minus strand). Cytogenetic location: 12q13.11.
Variant type: single nucleotide variant.
Coding change: c.2356-111G>A on transcript NM_001844.5 (MANE Select); 111 bases into the intron before coding-DNA position 2356, G replaced by A.
Molecular consequence: intron variant.
Genome position (GRCh38, 1-based): chr12:47,981,940, C>T on the plus strand (G>A on the coding strand, the complement: COL2A1 is on the minus strand). VCF-style: chr12-47981940-C-T. GRCh37 (hg19) VCF-style: chr12-48375723-C-T.
Other names: c.2149-111G>A (NM_033150.3).
Identifiers: ClinVar variation 675206 (VCV000675206.3), dbSNP rs41263857, ClinGen allele CA236524147.
Genomic context (GRCh38, chr12:47,981,940, plus strand): 5'-ACGTGCGGCCCGGCACCAAGCCAACCTTGGTGCGTGCTCCCACCGCCTCCAGAGCTCCCA[C>T]TTACCCTCTGGCCCCATTTTAACAGAGAAGTCCCTGCAGTTGCCCAGCCCCGACAGAGAC-3'